The following is an entry in ClinVar:

NM_007294.4(BRCA1):c.3514_3518del (p.Glu1172fs)

Genes: BRCA1 (BRCA1 DNA repair associated; minus strand), LOC126862571 (BRD4-independent group 4 enhancer GRCh37_chr17:41243136-41244335; plus strand). Cytogenetic location: 17q21.31.
Variant type: Deletion.
Coding change: c.3514_3518del on transcript NM_007294.4 (MANE Select); coding-DNA positions 3514 to 3518, 5 bases deleted (GAAAG; older notation c.3514_3518delGAAAG).
Protein change: p.Glu1172fs; shifts the reading frame from glutamic acid 1172.
Molecular consequence: frameshift variant. On other transcripts: intron variant (135).
Genome position (GRCh38, 1-based): chr17:43,092,013-43,092,017, CTTTC deleted on the plus strand (GAAAG on the coding strand, the reverse complement: BRCA1 is on the minus strand); deleting any 5 consecutive bases within chr17:43,092,013-43,092,020 gives the same sequence; the c. name uses the placement nearest the transcript's 3' end. VCF-style (leftmost placement, unchanged base first): chr17-43092012-ACTTTC-A. GRCh37 (hg19) VCF-style: chr17-41244029-ACTTTC-A.
Other names: c.3391_3395del, p.Glu1131fs (NM_001407667.1, NM_001407668.1, NM_001407669.1 and 19 more transcripts); c.3388_3392del, p.Glu1130fs (NM_001407670.1, NM_001407671.1, NM_001407672.1 and 11 more transcripts); c.3514_3518del, p.Glu1172fs (NM_001407684.1, NM_001407854.1, NM_001407858.1 and 30 more transcripts); c.3373_3377del, p.Glu1125fs (NM_001407692.1, NM_001407694.1, NM_001407695.1 and 29 more transcripts); c.3370_3374del, p.Glu1124fs (NM_001407740.1, NM_001407741.1, NM_001407742.1 and 20 more transcripts); c.3301_3305del, p.Glu1101fs (NM_001407853.1, NM_001407894.1, NM_001407895.1 and 9 more transcripts); c.3511_3515del, p.Glu1171fs (NM_001407860.1, NM_001407861.1, NM_001407587.1 and 22 more transcripts); c.3313_3317del, p.Glu1105fs (NM_001407862.1); and 41 more; short protein forms E1172fs, E1125fs, E1004fs, E1060fs, E1104fs, E1105fs, E1131fs, E1145fs.
Identifiers: ClinVar variation 1455774 (VCV001455774.7), dbSNP rs2154306646, ClinGen allele CA2573154069.

ClinVar aggregate classification (germline): Pathogenic (1 of 4 stars; one submission).

Conditions:
Hereditary breast ovarian cancer syndrome. Also called: Hereditary breast and ovarian cancer; Hereditary breast and ovarian cancer syndrome (HBOC); Breast and ovarian cancer; Hereditary breast and ovarian cancer syndrome; Hereditary breast and/or ovarian cancer syndrome; BRCA1- and BRCA2-Associated Hereditary Breast and Ovarian Cancer. Identifiers: Orphanet 145, MedGen C0677776, MeSH D061325, MONDO:0003582. Disease mechanism: loss of function.

Submission:

Labcorp Genetics (formerly Invitae), Labcorp
Classification: Pathogenic for Hereditary breast ovarian cancer syndrome. Last evaluated: 2021-06-11. Review status: criteria provided, single submitter. Criteria: Invitae Variant Classification Sherloc (09022015). Collection method: clinical testing. Allele origin: germline.
Comment: This variant is not present in population databases (ExAC no frequency). This sequence change creates a premature translational stop signal (p.Glu1172Phefs*5) in the BRCA1 gene. It is expected to result in an absent or disrupted protein product. Loss-of-function variants in BRCA1 are known to be pathogenic (PMID: 20104584). This variant has not been reported in the literature in individuals with BRCA1-related conditions. For these reasons, this variant has been classified as Pathogenic.

Literature cited by the submitters: PubMed 20104584.